The following is an entry in ClinVar:

ClinVar aggregate classification (germline): Likely pathogenic (1 of 4 stars; one submission).

Conditions:
Rhizomelic chondrodysplasia punctata (RCDP). Identifiers: Orphanet 177, MedGen C0282529, MONDO:0015776. Disease mechanism: loss of function.

Submission:

Natera, Inc.
Classification: Likely pathogenic for Rhizomelic Chondrodysplasia Punctata. Last evaluated: 2025-01-30. Review status: criteria provided, single submitter. Criteria: Natera Variant Classification Schema (03/2026). Collection method: clinical testing. Allele origin: germline.
Comment: The c.832_833dup variant in PEX7 is a frameshift variant predicted to shift the reading frame beginning at codon 279 and leads to a stop codon 15 codons downstream. This variant is expected to result in nonsense mediated decay, truncation, or a dysfunctional protein product. This variant is rare in the general population with a frequency below the threshold expected for the associated phenotype(s). Given the available evidence, this variant is classified as Likely Pathogenic.

NM_000288.4(PEX7):c.832_833dup (p.Leu279fs)

Gene: PEX7 (peroxisomal biogenesis factor 7; plus strand). Cytogenetic location: 6q23.3.
Variant type: Microsatellite.
Coding change: c.832_833dup on transcript NM_000288.4 (MANE Select); coding-DNA positions 832 to 833, 2 bases duplicated (CT; older notation c.832_833dupCT).
Protein change: p.Leu279fs; shifts the reading frame from leucine 279.
Molecular consequence: frameshift variant.
Genome position (GRCh38, 1-based): chr6:136,898,170-136,898,171, CT duplicated; duplicating any 2 consecutive bases within chr6:136,898,166-136,898,171 gives the same sequence; the c. name uses the placement nearest the transcript's 3' end. VCF-style (leftmost placement, unchanged base first): chr6-136898165-A-ACT. GRCh37 (hg19) VCF-style: chr6-137219303-A-ACT.
Other names: c.718_719dup, p.Leu241fs (NM_001410945.1); short protein forms L241fs, L279fs.
Identifiers: ClinVar variation 4818132 (VCV004818132.1).